The following is an entry in ClinVar:

NM_020699.4(GATAD2B):c.681_682del (p.Arg228fs)

Gene: GATAD2B (GATA zinc finger domain containing 2B; minus strand). Cytogenetic location: 1q21.3.
Variant type: Microsatellite.
Coding change: c.681_682del on transcript NM_020699.4 (MANE Select); coding-DNA positions 681 to 682, 2 bases deleted (TC; older notation c.681_682delTC).
Protein change: p.Arg228fs; shifts the reading frame from arginine 228.
Molecular consequence: frameshift variant.
Genome position (GRCh38, 1-based): chr1:153,818,087-153,818,088, GA deleted on the plus strand (TC on the coding strand, the reverse complement: GATAD2B is on the minus strand); deleting any 2 consecutive bases within chr1:153,818,087-153,818,091 gives the same sequence; the c. name uses the placement nearest the transcript's 3' end. VCF-style (leftmost placement, unchanged base first): chr1-153818086-CGA-C. GRCh37 (hg19) VCF-style: chr1-153790562-CGA-C.
Other names: short protein forms R228fs.
Identifiers: ClinVar variation 4880686 (VCV004880686.2).

ClinVar aggregate classification (germline): Likely pathogenic (1 of 4 stars; one submission).

Submission:

Dasa
Classification: Likely pathogenic. Last evaluated: 2025-01-17. Review status: criteria provided, single submitter. Criteria: DASA Assertion Criteria. Collection method: clinical testing. Allele origin: germline.
Comment: NM_020699.4(GATAD2B):c.681_682del (p.Arg228Alafs*7) is a frameshift variant in GATAD2B predicted to alter the reading frame and introduce a premature termination codon and is predicted to result in an absent or altered protein product. Loss of function is an established disease mechanism for GATAD2B (PMID: 23644463; PMID: 28077840; PMID: 27848944). Also, this variant is absent from population databases. Based on the currently available evidence, this variant is classified as likely pathogenic.

Literature cited by the submitters: PubMed 23644463; PubMed 28077840; PubMed 27848944.